The following is an entry in ClinVar:

ClinVar aggregate classification (germline): Likely pathogenic (1 of 4 stars; one submission).

Conditions:
Nephrotic syndrome, type 2 (NPHS2). Also called: NEPHROTIC SYNDROME, STEROID-RESISTANT, AUTOSOMAL RECESSIVE. Identifiers: Orphanet 656, MedGen C1868672, MONDO:0010974, OMIM 600995.

Submission:

Neuberg Centre For Genomic Medicine, NCGM
Classification: Likely pathogenic for Nephrotic syndrome, type 2. Review status: criteria provided, single submitter. Criteria: ACMG Guidelines, 2015. Collection method: clinical testing. Allele origin: germline. Inheritance: Autosomal recessive inheritance. Affected: yes.
Comment: The frameshift c.258_270del (p.Ser86ArgfsTer9) variant has not been reported previously as a pathogenic variant nor as a benign variant, to our knowledge. The p.Ser86ArgfsTer9 variant is novel (not in any individuals) in gnomAD Exomes and is novel (not in any individuals) in 1000 Genomes. This variant is predicted to cause loss of normal protein function through protein truncation. Loss of function variants have been previously reported to be disease causing. For these reasons, this variant has been classified as Likely Pathogenic

NM_014625.4(NPHS2):c.258_270del (p.Ser86fs)

Gene: NPHS2 (NPHS2 stomatin family member, podocin; minus strand). Cytogenetic location: 1q25.2.
Variant type: Deletion.
Coding change: c.258_270del on transcript NM_014625.4 (MANE Select); coding-DNA positions 258 to 270, 13 bases deleted (CGAGCGGCCCGAG).
Protein change: p.Ser86fs; shifts the reading frame from serine 86.
Molecular consequence: frameshift variant.
Genome position (GRCh38, 1-based): chr1:179,575,595-179,575,607, CTCGGGCCGCTCG deleted on the plus strand (CGAGCGGCCCGAG on the coding strand, the reverse complement: NPHS2 is on the minus strand); deleting any 13 consecutive bases within chr1:179,575,595-179,575,610 gives the same sequence; the c. name uses the placement nearest the transcript's 3' end. VCF-style (leftmost placement, unchanged base first): chr1-179575594-CCTCGGGCCGCTCG-C. GRCh37 (hg19) VCF-style: chr1-179544729-CCTCGGGCCGCTCG-C.
Other names: c.258_270del, p.Ser86fs (NM_001297575.2); short protein forms S86fs.
Identifiers: ClinVar variation 2585077 (VCV002585077.1), dbSNP rs2526376498, ClinGen allele CA2582342426.